The following is an entry in ClinVar:

NM_001401501.2(MUC16):c.40643+9T>C

Gene: MUC16 (mucin 16, cell surface associated; minus strand). Cytogenetic location: 19p13.2.
Variant type: single nucleotide variant.
Coding change: c.40643+9T>C on transcript NM_001401501.2 (MANE Select); 9 bases into the intron after coding-DNA position 40643, T replaced by C.
Molecular consequence: intron variant.
Genome position (GRCh38, 1-based): chr19:8,891,146, A>G on the plus strand (T>C on the coding strand, the complement: MUC16 is on the minus strand). VCF-style: chr19-8891146-A-G. GRCh37 (hg19) VCF-style: chr19-9001822-A-G.
Other names: c.41069+9T>C (NM_001414686.1); c.40523+9T>C (NM_001414687.1); c.40417+9T>C (NM_024690.2).
Identifiers: ClinVar variation 3060849 (VCV003060849.2), dbSNP rs12976111, ClinGen allele CA9163377.

ClinVar aggregate classification (germline): Benign (0 of 4 stars; one submission).

Conditions:
MUC16-related disorder. Also called: MUC16-related condition.

Allele frequency attached by ClinVar (database versions not stated): 1000 Genomes Project 0.59824; 1000 Genomes Project 30x 0.60212; TOPMed 0.62963; gnomAD 0.64081; ESP Exome Variant Server 0.65433; ExAC 0.68475; gnomAD exomes 0.72218.

Submission:

PreventionGenetics, part of Exact Sciences
Classification: Benign for MUC16-related condition. Last evaluated: 2024-09-12. Review status: no assertion criteria provided. Collection method: clinical testing. Allele origin: germline.
Comment: This variant is classified as benign based on ACMG/AMP sequence variant interpretation guidelines (Richards et al. 2015 PMID: 25741868, with internal and published modifications).